The following is an entry in ClinVar:

NM_000179.3(MSH6):c.3400G>A (p.Gly1134Arg)

Gene: MSH6 (mutS homolog 6; plus strand). Cytogenetic location: 2p16.3.
Variant type: single nucleotide variant.
Coding change: c.3400G>A on transcript NM_000179.3 (MANE Select); coding-DNA position 3400, G replaced by A.
Protein change: p.Gly1134Arg; replaces glycine 1134 with arginine.
Molecular consequence: missense variant.
Genome position (GRCh38, 1-based): chr2:47,803,647, G>A. VCF-style: chr2-47803647-G-A. GRCh37 (hg19) VCF-style: chr2-48030786-G-A.
Other names: c.3010G>A, p.Gly1004Arg (NM_001281492.2); c.2494G>A, p.Gly832Arg (NM_001281493.2, NM_001281494.2); short protein forms G1134R, G832R, G1004R.
Identifiers: ClinVar variation 1484801 (VCV001484801.10), dbSNP rs1114167697, ClinGen allele CA346758872.
Genomic context (GRCh38, chr2:47,803,647, plus strand): 5'-CTAATAGGCTGTGAGGAAGAGGAGCAGGAAAATGGCAAAGCCTATTGTGTGCTTGTTACT[G>A]GACCAAATATGGGGGGCAAGTCTACGCTTATGAGACAGGTAACTGATTCTTAAAGTTTTG-3'
Protein context (NP_000170.1, residues 1124-1144): NGKAYCVLVT[Gly1134Arg]PNMGGKSTLM

ClinVar aggregate classification (germline): Conflicting classifications of pathogenicity. Review status: criteria provided, conflicting classifications (1 of 4 stars). 2 submissions from 2 submitters: Likely pathogenic (1); Uncertain significance (1). Last evaluated 2024-01-31.

Conditions:
Hereditary cancer-predisposing syndrome. Also called: Hereditary neoplastic syndrome; Neoplastic Syndromes, Hereditary; Hereditary Cancer Syndrome; Tumor predisposition. Identifiers: Orphanet 140162, MedGen C0027672, MeSH D009386, MONDO:0015356.
Hereditary nonpolyposis colorectal neoplasms. Identifiers: MedGen C0009405, MeSH D003123.

Submissions (2):

Ambry Genetics
Classification: Likely pathogenic for Hereditary cancer-predisposing syndrome. Last evaluated: 2024-01-31. Review status: criteria provided, single submitter. Criteria: Ambry Variant Classification Scheme 2023. Collection method: clinical testing. Allele origin: germline.
Comment: The p.G1134R variant (also known as c.3400G>A), located in coding exon 5 of the MSH6 gene, results from a G to A substitution at nucleotide position 3400. The glycine at codon 1134 is replaced by arginine, an amino acid with dissimilar properties. This amino acid position is highly conserved in available vertebrate species. In addition, this alteration is predicted to be deleterious by in silico analysis. This variant is considered to be rare based on population cohorts in the Genome Aggregation Database (gnomAD). Based on the majority of available evidence to date, this variant is likely to be pathogenic.

Labcorp Genetics (formerly Invitae), Labcorp
Classification: Uncertain significance for Hereditary nonpolyposis colorectal neoplasms. Last evaluated: 2021-04-05. Review status: criteria provided, single submitter. Criteria: Invitae Variant Classification Sherloc (09022015). Collection method: clinical testing. Allele origin: germline.
Comment: Algorithms developed to predict the effect of sequence changes on RNA splicing suggest that this variant may create or strengthen a splice site, but this prediction has not been confirmed by published transcriptional studies. In summary, the available evidence is currently insufficient to determine the role of this variant in disease. Therefore, it has been classified as a Variant of Uncertain Significance. Advanced modeling of protein sequence and biophysical properties (such as structural, functional, and spatial information, amino acid conservation, physicochemical variation, residue mobility, and thermodynamic stability) performed at Invitae indicates that this missense variant is expected to disrupt MSH6 protein function. This variant has not been reported in the literature in individuals with MSH6-related conditions. This variant is not present in population databases (ExAC no frequency). This sequence change replaces glycine with arginine at codon 1134 of the MSH6 protein (p.Gly1134Arg). The glycine residue is highly conserved and there is a moderate physicochemical difference between glycine and arginine.